The following is an entry in ClinVar:

ClinVar aggregate classification (germline): Uncertain significance. Review status: criteria provided, multiple submitters, no conflicts (2 of 4 stars). 4 submissions from 4 submitters: Uncertain significance (4). Last evaluated 2025-01-09.

Conditions:
Familial cancer of breast. Also called: Hereditary breast cancer; hereditary breast carcinoma; BREAST CANCER, FAMILIAL. Identifiers: Orphanet 227535, MedGen C0346153, MONDO:0016419, OMIM 114480. Disease mechanism: loss of function.
Hereditary cancer-predisposing syndrome. Also called: Hereditary neoplastic syndrome; Neoplastic Syndromes, Hereditary; Tumor predisposition; Hereditary Cancer Syndrome. Identifiers: Orphanet 140162, MedGen C0027672, MeSH D009386, MONDO:0015356.

Submissions (4):

Ambry Genetics
Classification: Uncertain significance for Hereditary cancer-predisposing syndrome. Last evaluated: 2025-01-09. Review status: criteria provided, single submitter. Criteria: Ambry Variant Classification Scheme 2023. Collection method: clinical testing. Allele origin: germline.

Color Diagnostics, LLC DBA Color Health
Classification: Uncertain significance for Hereditary cancer-predisposing syndrome. Last evaluated: 2024-06-17. Review status: criteria provided, single submitter. Criteria: ACMG Guidelines, 2015. Collection method: clinical testing. Allele origin: germline.
Comment: This missense variant replaces lysine with glutamine at codon 774 of the PALB2 protein. Computational prediction suggests that this variant may not impact protein structure and function. To our knowledge, functional studies have not been reported for this variant. This variant has not been reported in individuals affected with PALB2-related disorders in the literature. This variant has not been identified in the general population by the Genome Aggregation Database (gnomAD). The available evidence is insufficient to determine the role of this variant in disease conclusively. Therefore, this variant is classified as a Variant of Uncertain Significance.

Baylor Genetics
Classification: Uncertain significance for Familial cancer of breast. Last evaluated: 2024-02-22. Review status: criteria provided, single submitter. Criteria: ACMG Guidelines, 2015. Collection method: clinical testing. Allele origin: unknown.

Labcorp Genetics (formerly Invitae), Labcorp
Classification: Uncertain significance for Familial cancer of breast. Last evaluated: 2022-08-25. Review status: criteria provided, single submitter. Criteria: Invitae Variant Classification Sherloc (09022015). Collection method: clinical testing. Allele origin: germline.
Comment: In summary, the available evidence is currently insufficient to determine the role of this variant in disease. Therefore, it has been classified as a Variant of Uncertain Significance. Algorithms developed to predict the effect of missense changes on protein structure and function (SIFT, PolyPhen-2, Align-GVGD) all suggest that this variant is likely to be tolerated. ClinVar contains an entry for this variant (Variation ID: 946372). This variant has not been reported in the literature in individuals affected with PALB2-related conditions. This variant is not present in population databases (gnomAD no frequency). This sequence change replaces lysine, which is basic and polar, with glutamine, which is neutral and polar, at codon 774 of the PALB2 protein (p.Lys774Gln).

NM_024675.4(PALB2):c.2320A>C (p.Lys774Gln)

Gene: PALB2 (partner and localizer of BRCA2; minus strand). Cytogenetic location: 16p12.2.
Variant type: single nucleotide variant.
Coding change: c.2320A>C on transcript NM_024675.4 (MANE Select); coding-DNA position 2320, A replaced by C.
Protein change: p.Lys774Gln; replaces lysine 774 with glutamine.
Molecular consequence: missense variant.
Genome position (GRCh38, 1-based): chr16:23,629,834, T>G on the plus strand (A>C on the coding strand, the complement: PALB2 is on the minus strand). VCF-style: chr16-23629834-T-G. GRCh37 (hg19) VCF-style: chr16-23641155-T-G.
Other names: short protein forms K774Q.
Identifiers: ClinVar variation 946372 (VCV000946372.19), dbSNP rs757892044, ClinGen allele CA395125146.
Genomic context (GRCh38, chr16:23,629,834, plus strand): 5'-TGCCTGACACTTGCAGGGTGGTATGTGGTTTTGCTGGGCTGCCTGAACTGTCGAATTGTT[T>G]AGTATCACTGGCAAGACAGACTGAGTCTTTCAAATGAGCAAGTTGGGGTGTGCAGCAAGT-3'
Protein context (NP_078951.2, residues 764-784): KDSVCLASDT[Lys774Gln]QFDSSGSPAK